The following is an entry in ClinVar:

ClinVar aggregate classification (germline): Uncertain significance (1 of 4 stars; one submission).

Conditions:
Charcot-Marie-Tooth disease axonal type 2O. Also called: Charcot-Marie-Tooth disease, axonal, type 20; CHARCOT-MARIE-TOOTH NEUROPATHY, AXONAL, TYPE 2O; CHARCOT-MARIE-TOOTH DISEASE, AXONAL, AUTOSOMAL DOMINANT, TYPE 2O; Charcot-Marie-Tooth Neuropathy Type 2O. Identifiers: Orphanet 284232, MedGen C3280220, MONDO:0013644, OMIM 614228.

Submission:

Labcorp Genetics (formerly Invitae), Labcorp
Classification: Uncertain significance for Charcot-Marie-Tooth disease axonal type 2O. Last evaluated: 2024-07-08. Review status: criteria provided, single submitter. Criteria: Invitae Variant Classification Sherloc (09022015). Collection method: clinical testing. Allele origin: germline.
Comment: This sequence change replaces phenylalanine, which is neutral and non-polar, with serine, which is neutral and polar, at codon 3832 of the DYNC1H1 protein (p.Phe3832Ser). This variant is not present in population databases (gnomAD no frequency). This variant has not been reported in the literature in individuals affected with DYNC1H1-related conditions. Advanced modeling of protein sequence and biophysical properties (such as structural, functional, and spatial information, amino acid conservation, physicochemical variation, residue mobility, and thermodynamic stability) performed at Invitae indicates that this missense variant is expected to disrupt DYNC1H1 protein function with a positive predictive value of 95%. In summary, the available evidence is currently insufficient to determine the role of this variant in disease. Therefore, it has been classified as a Variant of Uncertain Significance.

NM_001376.5(DYNC1H1):c.11495T>C (p.Phe3832Ser)

Gene: DYNC1H1 (dynein cytoplasmic 1 heavy chain 1; plus strand). Cytogenetic location: 14q32.31.
Variant type: single nucleotide variant.
Coding change: c.11495T>C on transcript NM_001376.5 (MANE Select); coding-DNA position 11495, T replaced by C.
Protein change: p.Phe3832Ser; replaces phenylalanine 3832 with serine.
Molecular consequence: missense variant.
Genome position (GRCh38, 1-based): chr14:102,039,446, T>C. VCF-style: chr14-102039446-T-C. GRCh37 (hg19) VCF-style: chr14-102505783-T-C.
Other names: short protein forms F3832S.
Identifiers: ClinVar variation 2994018 (VCV002994018.3), dbSNP rs2503846167, ClinGen allele CA391034462.